The following is an entry in ClinVar:

ClinVar aggregate classification (germline): Uncertain significance (1 of 4 stars; one submission).

Conditions:
PLXNA2-related disorder. Also called: PLXNA2-related condition.

gnomAD v4.1: 41 of 1,612,774 alleles (0.0025%); highest among the groups gnomAD compares: East Asian, 0.0067%; no homozygotes.

Submission:

PreventionGenetics, part of Exact Sciences
Classification: Uncertain significance for PLXNA2-related condition. Last evaluated: 2026-01-07. Review status: criteria provided, single submitter. Criteria: ACMG Guidelines, 2015. Collection method: clinical testing. Allele origin: germline.
Comment: The PLXNA2 c.46C>T variant is predicted to result in the amino acid substitution p.Arg16Cys. To our knowledge, this variant has not been reported in the literature. This variant is reported in 0.0087% of alleles in individuals of European (Non-Finnish) descent in gnomAD. At this time, the clinical significance of this variant is uncertain due to the absence of conclusive functional and genetic evidence.

NM_025179.4(PLXNA2):c.46C>T (p.Arg16Cys)

Gene: PLXNA2 (plexin A2; minus strand). Cytogenetic location: 1q32.2.
Variant type: single nucleotide variant.
Coding change: c.46C>T on transcript NM_025179.4 (MANE Select); coding-DNA position 46, C replaced by T.
Protein change: p.Arg16Cys; replaces arginine 16 with cysteine.
Molecular consequence: missense variant.
Genome position (GRCh38, 1-based): chr1:208,217,877, G>A on the plus strand (C>T on the coding strand, the complement: PLXNA2 is on the minus strand). VCF-style: chr1-208217877-G-A. GRCh37 (hg19) VCF-style: chr1-208391222-G-A.
Other names: short protein forms R16C.
Identifiers: ClinVar variation 3355945 (VCV003355945.2).